The following is an entry in ClinVar:

ClinVar aggregate classification (germline): Uncertain significance (1 of 4 stars; one submission).

Submission:

GeneDx
Classification: Uncertain significance. Last evaluated: 2025-01-24. Review status: criteria provided, single submitter. Criteria: GeneDx Variant Classification Process June 2021. Collection method: clinical testing. Allele origin: germline. Affected: yes.
Comment: Not observed at significant frequency in large population cohorts (gnomAD); In silico analysis supports that this missense variant has a deleterious effect on protein structure/function; Has not been previously published as pathogenic or benign to our knowledge

NM_004082.5(DCTN1):c.724A>G (p.Lys242Glu)

Gene: DCTN1 (dynactin subunit 1; minus strand). Cytogenetic location: 2p13.1.
Variant type: single nucleotide variant.
Coding change: c.724A>G on transcript NM_004082.5 (MANE Select); coding-DNA position 724, A replaced by G.
Protein change: p.Lys242Glu; replaces lysine 242 with glutamic acid.
Molecular consequence: missense variant. On other transcripts: non-coding transcript variant (1).
Genome position (GRCh38, 1-based): chr2:74,371,098, T>C on the plus strand (A>G on the coding strand, the complement: DCTN1 is on the minus strand). VCF-style: chr2-74371098-T-C. GRCh37 (hg19) VCF-style: chr2-74598225-T-C.
Other names: c.664A>G, p.Lys222Glu (NM_001135040.3); c.322A>G, p.Lys108Glu (NM_001135041.3, NM_023019.4); c.613A>G, p.Lys205Glu (NM_001190836.2); c.703A>G, p.Lys235Glu (NM_001190837.2); c.673A>G, p.Lys225Glu (NM_001378991.1); c.655A>G, p.Lys219Glu (NM_001378992.1); short protein forms K108E, K205E, K219E, K222E, K225E, K235E, K242E.
Identifiers: ClinVar variation 4071758 (VCV004071758.1).